The following is an entry in ClinVar:

ClinVar aggregate classification (germline): Uncertain significance. Review status: criteria provided, multiple submitters, no conflicts (2 of 4 stars). 3 submissions from 3 submitters: Uncertain significance (3). Last evaluated 2025-04-12.

Conditions:
Hereditary spastic paraplegia 28. Also called: Spastic paraplegia 28, autosomal recessive. Identifiers: Orphanet 101008, MedGen C1836295, MONDO:0012256, OMIM 609340.
Inborn genetic diseases. Identifiers: MedGen C0950123, MeSH D030342.

Allele frequency attached by ClinVar (database versions not stated): ExAC 0.00009; TOPMed 0.00005; gnomAD exomes 0.00009; 1000 Genomes Project 30x 0.00031; gnomAD 0.00007; 1000 Genomes Project 0.00020.
gnomAD v4.1: 246 of 1,613,390 alleles (0.015%); highest among the groups gnomAD compares: Non-Finnish European, 0.02%; no homozygotes.

Submissions (3):

Ambry Genetics
Classification: Uncertain significance for Inborn genetic diseases. Last evaluated: 2025-04-12. Review status: criteria provided, single submitter. Criteria: Ambry Variant Classification Scheme 2023. Collection method: clinical testing. Allele origin: germline.

Mayo Clinic Laboratories, Mayo Clinic
Classification: Uncertain significance. Last evaluated: 2022-01-18. Review status: criteria provided, single submitter. Criteria: ACMG Guidelines, 2015. Collection method: clinical testing. Allele origin: germline.

Labcorp Genetics (formerly Invitae), Labcorp
Classification: Uncertain significance for Hereditary spastic paraplegia 28. Last evaluated: 2021-09-01. Review status: criteria provided, single submitter. Criteria: Invitae Variant Classification Sherloc (09022015). Collection method: clinical testing. Allele origin: germline.
Comment: This sequence change replaces serine with cysteine at codon 818 of the DDHD1 protein (p.Ser818Cys). The serine residue is moderately conserved and there is a moderate physicochemical difference between serine and cysteine. This variant is present in population databases (rs193261227, ExAC 0.02%). This variant has not been reported in the literature in individuals affected with DDHD1-related conditions. ClinVar contains an entry for this variant (Variation ID: 408872). Algorithms developed to predict the effect of missense changes on protein structure and function are either unavailable or do not agree on the potential impact of this missense change (SIFT: "Tolerated"; PolyPhen-2: "Probably Damaging"; Align-GVGD: "Class C0"). In summary, the available evidence is currently insufficient to determine the role of this variant in disease. Therefore, it has been classified as a Variant of Uncertain Significance.

NM_001160148.2(DDHD1):c.2432C>G (p.Ser811Cys)

Gene: DDHD1 (DDHD domain containing 1; minus strand). Cytogenetic location: 14q22.1.
Variant type: single nucleotide variant.
Coding change: c.2432C>G on transcript NM_001160148.2 (MANE Select); coding-DNA position 2432, C replaced by G.
Protein change: p.Ser811Cys; replaces serine 811 with cysteine.
Molecular consequence: missense variant.
Genome position (GRCh38, 1-based): chr14:53,054,443, G>C on the plus strand (C>G on the coding strand, the complement: DDHD1 is on the minus strand). VCF-style: chr14-53054443-G-C. GRCh37 (hg19) VCF-style: chr14-53521161-G-C.
Other names: c.2453C>G, p.Ser818Cys (NM_001160147.2); c.2432C>G, p.Ser811Cys (NM_030637.3); c.2432C>G (NM_001160148.1); short protein forms S811C, S818C.
Identifiers: ClinVar variation 408872 (VCV000408872.16), dbSNP rs193261227, ClinGen allele CA7190999.